The following is an entry in ClinVar:

ClinVar aggregate classification (germline): Uncertain significance (1 of 4 stars; one submission).

Submission:

Labcorp Genetics (formerly Invitae), Labcorp
Classification: Uncertain significance. Last evaluated: 2022-03-19. Review status: criteria provided, single submitter. Criteria: Invitae Variant Classification Sherloc (09022015). Collection method: clinical testing. Allele origin: germline.
Comment: This sequence change replaces glutamic acid, which is acidic and polar, with glutamine, which is neutral and polar, at codon 346 of the RUSC2 protein (p.Glu346Gln). This variant is not present in population databases (gnomAD no frequency). This variant has not been reported in the literature in individuals affected with RUSC2-related conditions. Algorithms developed to predict the effect of missense changes on protein structure and function are either unavailable or do not agree on the potential impact of this missense change (SIFT: "Tolerated"; PolyPhen-2: "Possibly Damaging"; Align-GVGD: "Class C0"). In summary, the available evidence is currently insufficient to determine the role of this variant in disease. Therefore, it has been classified as a Variant of Uncertain Significance.

NM_014806.5(RUSC2):c.1036G>C (p.Glu346Gln)

Gene: RUSC2 (RUN and SH3 domain containing 2; plus strand). Cytogenetic location: 9p13.3.
Variant type: single nucleotide variant.
Coding change: c.1036G>C on transcript NM_014806.5 (MANE Select); coding-DNA position 1036, G replaced by C.
Protein change: p.Glu346Gln; replaces glutamic acid 346 with glutamine.
Molecular consequence: missense variant. On other transcripts: non-coding transcript variant (1), intron variant (1).
Genome position (GRCh38, 1-based): chr9:35,547,557, G>C. VCF-style: chr9-35547557-G-C. GRCh37 (hg19) VCF-style: chr9-35547554-G-C.
Other names: c.1036G>C, p.Glu346Gln (NM_001135999.2); c.-620-7503G>C (NM_001330740.2); short protein forms E346Q.
Identifiers: ClinVar variation 1503340 (VCV001503340.5), dbSNP rs768409887, ClinGen allele CA373330379.